The following is an entry in ClinVar:

NM_001134831.2(AHI1):c.239ATG[1] (p.Asp81del)

Gene: AHI1 (Abelson helper integration site 1; minus strand). Cytogenetic location: 6q23.3.
Variant type: Microsatellite.
Coding change: c.239ATG[1] on transcript NM_001134831.2 (MANE Select); one copy of the 3-base unit ATG starting at c.239; the reference has two copies in a row; one copy, 3 bases deleted.
Protein change: p.Asp81del; deletes aspartic acid 81.
Molecular consequence: inframe deletion.
Genome position (GRCh38, 1-based): chr6:135,466,319-135,466,321, CAT deleted on the plus strand (ATG on the coding strand, the reverse complement: AHI1 is on the minus strand); deleting any 3 consecutive bases within chr6:135,466,319-135,466,326 gives the same sequence; the position shown is the placement nearest the transcript's 3' end. VCF-style (leftmost placement, unchanged base first): chr6-135466318-ACAT-A. GRCh37 (hg19) VCF-style: chr6-135787456-ACAT-A.
Other names: c.239ATG[1], p.Asp81del (NM_001134830.2, NM_001134832.2, NM_001350503.2 and 2 more transcripts); short protein forms D81del.
Identifiers: ClinVar variation 5004002 (VCV005004002.1).

ClinVar aggregate classification (germline): Uncertain significance (1 of 4 stars; one submission).

Conditions:
Joubert syndrome 3 (JBTS3). Also called: AHI1-related Ciliopathy. Identifiers: Orphanet 220493, MedGen C1837713, MONDO:0012078, OMIM 608629.

Submission:

Myriad Genetics, Inc.
Classification: Uncertain significance for Joubert syndrome 3. Last evaluated: 2026-04-29. Review status: criteria provided, single submitter. Criteria: Myriad Autosomal Dominant, Autosomal Recessive and X-Linked Classification Criteria (2023). Collection method: clinical testing. Allele origin: unknown.
Comment: NM_001134831.1(AHI1):c.242_244delATG(D81del) is an in-frame deletion classified as a variant of uncertain significance in the context of Joubert syndrome, AHI1-related. D81del has not been observed in cases with relevant disease. Relevant functional assessments of this variant are not available in the literature. D81del has been observed in referenced population frequency databases. In summary, there is insufficient evidence to classify NM_001134831.1(AHI1):c.242_244delATG(D81del) as pathogenic or benign. Please note: this variant was assessed in the context of healthy population screening.